The following is an entry in ClinVar:

NM_004100.5(EYA4):c.1816GAA[2] (p.Glu608del)

Genes: EYA4 (EYA transcriptional coactivator and phosphatase 4; plus strand), TARID (TCF21 antisense RNA inducing promoter demethylation; minus strand). Cytogenetic location: 6q23.2.
Variant type: Microsatellite.
Coding change: c.1816GAA[2] on transcript NM_004100.5 (MANE Select); two copies in a row of the 3-base unit GAA starting at c.1816; the reference has three copies in a row; one copy, 3 bases deleted.
Protein change: p.Glu608del; deletes glutamic acid 608.
Molecular consequence: inframe deletion. On other transcripts: intron variant (3).
Genome position (GRCh38, 1-based): chr6:133,525,237-133,525,239, GAA deleted; deleting any 3 consecutive bases within chr6:133,525,230-133,525,239 gives the same sequence; the position shown is the placement nearest the transcript's 3' end. VCF-style (leftmost placement, unchanged base first): chr6-133525229-TAGA-T. GRCh37 (hg19) VCF-style: chr6-133846367-TAGA-T.
Other names: c.1834GAA[2], p.Glu614del (NM_001301013.2); c.1672GAA[2], p.Glu560del (NM_001370459.1); c.1747GAA[2], p.Glu585del (NM_172103.4); c.1839+115AGA[2] (NM_172105.4); c.1770+115AGA[2] (NM_001370458.1); c.1677+115AGA[2] (NM_001301012.2); short protein forms E560del, E608del, E614del, E585del.
Identifiers: ClinVar variation 1497372 (VCV001497372.12), dbSNP rs763110500, ClinGen allele CA4008489.

ClinVar aggregate classification (germline): Uncertain significance. Review status: criteria provided, multiple submitters, no conflicts (2 of 4 stars). 5 submissions from 5 submitters: Uncertain significance (5). Last evaluated 2026-06-21.

Conditions:
Dilated cardiomyopathy 1J (CMD1J). Also called: CARDIOMYOPATHY, DILATED, WITH SENSORINEURAL HEARING LOSS, AUTOSOMAL DOMINANT. Identifiers: Orphanet 217622, MedGen C1854368, MONDO:0011541, OMIM 605362.
EYA4-related disorder. Also called: EYA4-related disorders; EYA4-related condition. Identifiers: MedGen CN239388.
Cardiovascular phenotype. Identifiers: MedGen CN230736.

Submissions (5):

PreventionGenetics, part of Exact Sciences
Classification: Uncertain significance for EYA4-related condition. Last evaluated: 2026-06-21. Review status: criteria provided, single submitter. Criteria: ACMG Guidelines, 2015. Collection method: clinical testing. Allele origin: germline.
Comment: The EYA4 c.1822_1824delGAA variant is predicted to result in an in-frame deletion (p.Glu608del). To our knowledge, this variant has not been reported in the literature. This variant is reported in 0.0035% of alleles in individuals of European (Non-Finnish) descent in gnomAD. At this time, the clinical significance of this variant is uncertain due to the absence of conclusive functional and genetic evidence.

Labcorp Genetics (formerly Invitae), Labcorp
Classification: Uncertain significance for Dilated cardiomyopathy 1J. Last evaluated: 2025-10-08. Review status: criteria provided, single submitter. Criteria: Invitae Variant Classification Sherloc (09022015). Collection method: clinical testing. Allele origin: germline.
Comment: This variant, c.1822_1824del, results in the deletion of 1 amino acid(s) of the EYA4 protein (p.Glu608del), but otherwise preserves the integrity of the reading frame. This variant is present in population databases (rs763110500, gnomAD 0.004%). This variant has not been reported in the literature in individuals affected with EYA4-related conditions. Experimental studies and prediction algorithms are not available or were not evaluated, and the functional significance of this variant is currently unknown. Algorithms developed to predict the effect of sequence changes on RNA splicing suggest that this variant may disrupt the consensus splice site. In summary, the available evidence is currently insufficient to determine the role of this variant in disease. Therefore, it has been classified as a Variant of Uncertain Significance.

Ambry Genetics
Classification: Uncertain significance for Cardiovascular phenotype. Last evaluated: 2024-04-02. Review status: criteria provided, single submitter. Criteria: Ambry Variant Classification Scheme 2023. Collection method: clinical testing. Allele origin: germline.
Comment: The c.1822_1824delGAA variant (also known as p.E608del) is located in coding exon 18 of the EYA4 gene. This variant results from an in-frame GAA deletion at nucleotide positions 1822 to 1824. This results in the in-frame deletion of a glutamic acid at codon 608. This amino acid position is highly conserved in available vertebrate species. In addition, this alteration is predicted to be deleterious by in silico analysis (Choi Y et al. PLoS ONE. 2012; 7(10):e46688). Since supporting evidence is limited at this time, the clinical significance of this alteration remains unclear.

Women's Health and Genetics/Laboratory Corporation of America, LabCorp
Classification: Uncertain significance. Last evaluated: 2022-04-11. Review status: criteria provided, single submitter. Criteria: LabCorp Variant Classification Summary - May 2015. Collection method: clinical testing. Allele origin: germline.
Comment: Variant summary: EYA4 c.1822_1824delGAA (p.Glu608del) results in an in-frame deletion that is predicted to remove 1 amino acid from the encoded protein. The variant allele was found at a frequency of 1.6e-05 in 251138 control chromosomes (gnomAD). The available data on variant occurrences in the general population are insufficient to allow any conclusion about variant significance. To our knowledge, no occurrence of c.1822_1824delGAA in individuals affected with Dilated Cardiomyopathy and no experimental evidence demonstrating its impact on protein function have been reported. One clinical diagnostic laboratory has submitted clinical-significance assessments for this variant to ClinVar after 2014, and classified the variant as uncertain significance. Based on the evidence outlined above, the variant was classified as uncertain significance.

Blueprint Genetics
Classification: Uncertain significance. Last evaluated: 2021-08-10. Review status: criteria provided, single submitter. Criteria: ACMG Guidelines, 2015. Collection method: clinical testing. Allele origin: germline.